The following is an entry in ClinVar:

ClinVar aggregate classification (germline): Uncertain significance (1 of 4 stars; one submission).

Submission:

Labcorp Genetics (formerly Invitae), Labcorp
Classification: Uncertain significance. Last evaluated: 2024-02-13. Review status: criteria provided, single submitter. Criteria: Invitae Variant Classification Sherloc (09022015). Collection method: clinical testing. Allele origin: germline.
Comment: This sequence change creates a premature translational stop signal (p.Glu480Asnfs*5) in the GEN1 gene. While this is not anticipated to result in nonsense mediated decay, it is expected to disrupt the last 429 amino acid(s) of the GEN1 protein. This variant is not present in population databases (gnomAD no frequency). This variant has not been reported in the literature in individuals affected with GEN1-related conditions. Experimental studies and prediction algorithms are not available or were not evaluated, and the functional significance of this variant is currently unknown. In summary, the available evidence is currently insufficient to determine the role of this variant in disease. Therefore, it has been classified as a Variant of Uncertain Significance.

NM_001130009.3(GEN1):c.1438del (p.Glu480fs)

Gene: GEN1 (GEN1 structure-specific endonuclease; plus strand). Cytogenetic location: 2p24.2.
Variant type: Deletion.
Coding change: c.1438del on transcript NM_001130009.3 (MANE Select); coding-DNA position 1438, one base deleted (G; older notation c.1438delG).
Protein change: p.Glu480fs; shifts the reading frame from glutamic acid 480.
Molecular consequence: frameshift variant.
Genome position (GRCh38, 1-based): chr2:17,780,650, G deleted. VCF-style (leftmost placement, unchanged base first): chr2-17780649-AG-A. GRCh37 (hg19) VCF-style: chr2-17961916-AG-A.
Other names: c.1438del, p.Glu480fs (NM_182625.5); short protein forms E480fs.
Identifiers: ClinVar variation 3674748 (VCV003674748.2).
Genomic context (GRCh38, chr2:17,780,649, plus strand): 5'-ATGTTGATTATATGTATTTTTTTTCTTTTCAGGTATTAAGCCTAAAGAAAACAATTTGCC[AG>A]AACCAGATGAAGTAATGAGCTTTCAGTCACACATGACTTTAAAACCCACATGTGAAATCT-3'